The following is an entry in ClinVar:

NM_002471.4(MYH6):c.4081C>T (p.Arg1361Cys)

Gene: MYH6 (myosin heavy chain 6; minus strand). Cytogenetic location: 14q11.2.
Variant type: single nucleotide variant.
Coding change: c.4081C>T on transcript NM_002471.4 (MANE Select); coding-DNA position 4081, C replaced by T.
Protein change: p.Arg1361Cys; replaces arginine 1361 with cysteine.
Molecular consequence: missense variant.
Genome position (GRCh38, 1-based): chr14:23,388,953, G>A on the plus strand (C>T on the coding strand, the complement: MYH6 is on the minus strand). VCF-style: chr14-23388953-G-A. GRCh37 (hg19) VCF-style: chr14-23858162-G-A.
Other names: short protein forms R1361C.
Identifiers: ClinVar variation 2567199 (VCV002567199.5), dbSNP rs765193057, ClinGen allele CA7114934.
Genomic context (GRCh38, chr14:23,388,953, plus strand): 5'-CGTCCGTCTCATACTTGGTCCTCCACTGGGCCACCTCCGAGTTGGCCTTGGACAGGACGC[G>A]CTGCAGCTCGGCCTTGGCCTCTGTCTCCTCCTCGTACTGCTCCCGCAGCAGGTCGCAGTC-3'
Protein context (NP_002462.2, residues 1351-1371): EETEAKAELQ[Arg1361Cys]VLSKANSEVA

ClinVar aggregate classification (germline): Uncertain significance. Review status: criteria provided, multiple submitters, no conflicts (2 of 4 stars). 2 submissions from 2 submitters: Uncertain significance (2). Last evaluated 2023-05-04.

Conditions:
Hypertrophic cardiomyopathy 14. Identifiers: MedGen C2750467, MONDO:0013197, OMIM 613251.
Cardiovascular phenotype. Identifiers: MedGen CN230736.

Allele frequency attached by ClinVar (database versions not stated): gnomAD 0.00001; TOPMed 0.00001; ExAC 0.00002.
gnomAD v4.1: 17 of 1,613,612 alleles (0.0011%); highest among the groups gnomAD compares: South Asian, 0.0088%; no homozygotes.

Submissions (2):

Labcorp Genetics (formerly Invitae), Labcorp
Classification: Uncertain significance for Hypertrophic cardiomyopathy 14. Last evaluated: 2023-05-04. Review status: criteria provided, single submitter. Criteria: Invitae Variant Classification Sherloc (09022015). Collection method: clinical testing. Allele origin: germline.
Comment: This variant is present in population databases (rs765193057, gnomAD 0.01%). This sequence change replaces arginine, which is basic and polar, with cysteine, which is neutral and slightly polar, at codon 1361 of the MYH6 protein (p.Arg1361Cys). This variant has not been reported in the literature in individuals affected with MYH6-related conditions. Advanced modeling of protein sequence and biophysical properties (such as structural, functional, and spatial information, amino acid conservation, physicochemical variation, residue mobility, and thermodynamic stability) performed at Invitae indicates that this missense variant is expected to disrupt MYH6 protein function. In summary, the available evidence is currently insufficient to determine the role of this variant in disease. Therefore, it has been classified as a Variant of Uncertain Significance.

Ambry Genetics
Classification: Uncertain significance for Cardiovascular phenotype. Last evaluated: 2023-03-31. Review status: criteria provided, single submitter. Criteria: Ambry Variant Classification Scheme 2023. Collection method: clinical testing. Allele origin: germline.
Comment: The p.R1361C variant (also known as c.4081C>T), located in coding exon 27 of the MYH6 gene, results from a C to T substitution at nucleotide position 4081. The arginine at codon 1361 is replaced by cysteine, an amino acid with highly dissimilar properties. This amino acid position is conserved. In addition, this alteration is predicted to be deleterious by in silico analysis. Since supporting evidence is limited at this time, the clinical significance of this alteration remains unclear.